The following is an entry in ClinVar:

NM_018230.3(NUP133):c.1899G>A (p.Pro633=)

Gene: NUP133 (nucleoporin 133; minus strand). Cytogenetic location: 1q42.13.
Variant type: single nucleotide variant.
Coding change: c.1899G>A on transcript NM_018230.3 (MANE Select); coding-DNA position 1899, G replaced by A.
Protein change: p.Pro633=; no amino-acid change (proline 633 retained).
Molecular consequence: synonymous variant.
Genome position (GRCh38, 1-based): chr1:229,470,757, C>T on the plus strand (G>A on the coding strand, the complement: NUP133 is on the minus strand). VCF-style: chr1-229470757-C-T. GRCh37 (hg19) VCF-style: chr1-229606504-C-T.
Identifiers: ClinVar variation 3038648 (VCV003038648.2), dbSNP rs369216664, ClinGen allele CA1443417.

ClinVar aggregate classification (germline): Likely benign (0 of 4 stars; one submission).

Conditions:
NUP133-related disorder. Also called: NUP133-related condition.

Allele frequency attached by ClinVar (database versions not stated): ExAC 0.00007; TOPMed 0.00011; ESP Exome Variant Server 0.00015; gnomAD 0.00016; gnomAD exomes 0.00032.
gnomAD v4.1: 488 of 1,614,028 alleles (0.03%); highest among the groups gnomAD compares: Non-Finnish European, 0.04%; no homozygotes.

Submission:

PreventionGenetics, part of Exact Sciences
Classification: Likely benign for NUP133-related condition. Last evaluated: 2019-05-28. Review status: no assertion criteria provided. Collection method: clinical testing. Allele origin: germline.
Comment: This variant is classified as likely benign based on ACMG/AMP sequence variant interpretation guidelines (Richards et al. 2015 PMID: 25741868, with internal and published modifications).